The following is an entry in ClinVar:

ClinVar aggregate classification (germline): Conflicting classifications of pathogenicity. Review status: criteria provided, conflicting classifications (1 of 4 stars). 7 submissions from 6 submitters: Pathogenic (1); Likely pathogenic (4); Uncertain significance (1). 1 of the submissions does not count toward it. Last evaluated 2026-05-18.

Conditions:
Glycine encephalopathy. Also called: Nonketotic hyperglycinemia; Non-ketotic hyperglycinemia. Identifiers: Orphanet 407, MedGen C0751748, MONDO:0011612, HP:0008288.
Glycine encephalopathy 1 (GCE1). Identifiers: MedGen CN376801, MONDO:0958179, OMIM 605899.
Glycine encephalopathy 2 (GCE2). Identifiers: MedGen C5830559, MONDO:0958192, OMIM 620398.

Allele frequency attached by ClinVar (database versions not stated): gnomAD exomes 0.00001; TOPMed 0.00001.
gnomAD v4.1: 12 of 1,613,848 alleles (0.00074%); highest among the groups gnomAD compares: Non-Finnish European, 0.001%; no homozygotes.

Submissions (7):

Myriad Genetics, Inc.
Classification: Uncertain significance for Glycine encephalopathy 2. Last evaluated: 2026-05-18. Review status: criteria provided, single submitter. Criteria: Myriad Autosomal Dominant, Autosomal Recessive and X-Linked Classification Criteria (2023). Collection method: clinical testing. Allele origin: unknown.
Comment: NM_000481.3(AMT):c.212A>C(H71P) is a missense variant classified as a variant of uncertain significance in the context of glycine encephalopathy, AMT-related. H71P has been observed in cases with relevant disease (PMID: 16450403, 27362913). Relevant functional assessments of this variant are not available in the literature. H71P has been observed in referenced population frequency databases. In summary, there is insufficient evidence to classify NM_000481.3(AMT):c.212A>C(H71P) as pathogenic or benign. Please note: this variant was assessed in the context of healthy population screening.

Natera, Inc.
Classification: Likely pathogenic for Non-ketotic hyperglycinemia. Last evaluated: 2025-06-08. Review status: criteria provided, single submitter. Criteria: Natera Variant Classification Schema (03/2026). Collection method: clinical testing. Allele origin: germline.
Comment: The c.212A>C variant in AMT is a missense variant predicted to cause substitution of histidine to proline at amino acid 71. This variant is rare in the general population with a frequency below the threshold expected for the associated phenotype(s). This variant has been observed in one or more individuals affected with the associated recessive disease, as either homozygous or compound heterozygous with a second variant (PMID: 27362913, 16450403, 35616651). Computational prediction algorithms indicate this variant is likely to affect gene or protein function. Given the available evidence, this variant is classified as Likely Pathogenic.

Labcorp Genetics (formerly Invitae), Labcorp
Classification: Pathogenic for Glycine encephalopathy. Last evaluated: 2025-01-23. Review status: criteria provided, single submitter. Criteria: Invitae Variant Classification Sherloc (09022015). Collection method: clinical testing. Allele origin: germline.
Comment: This sequence change replaces histidine, which is basic and polar, with proline, which is neutral and non-polar, at codon 71 of the AMT protein (p.His71Pro). This variant is present in population databases (no rsID available, gnomAD 0.002%). This missense change has been observed in individual(s) with glycine encephalopathy (PMID: 16450403, 27362913; internal data). In at least one individual the data is consistent with being in trans (on the opposite chromosome) from a pathogenic variant. ClinVar contains an entry for this variant (Variation ID: 551285). Invitae Evidence Modeling of protein sequence and biophysical properties (such as structural, functional, and spatial information, amino acid conservation, physicochemical variation, residue mobility, and thermodynamic stability) indicates that this missense variant is expected to disrupt AMT protein function with a positive predictive value of 95%. For these reasons, this variant has been classified as Pathogenic.

Fulgent Genetics
Classification: Likely pathogenic for Glycine encephalopathy 2. Last evaluated: 2024-04-14. Review status: criteria provided, single submitter. Criteria: ACMG Guidelines, 2015. Collection method: clinical testing. Allele origin: germline.

Baylor Genetics
Classification: Likely pathogenic for Glycine encephalopathy 1. Last evaluated: 2024-01-29. Review status: criteria provided, single submitter. Criteria: ACMG Guidelines, 2015. Collection method: clinical testing. Allele origin: unknown.

Baylor Genetics
Classification: Likely pathogenic for Glycine encephalopathy 1. Review status: criteria provided, single submitter. Criteria: ACMG Guidelines, 2015. Collection method: clinical testing. Allele origin: unknown.

Counsyl
Classification: Uncertain significance for Glycine encephalopathy 1. Last evaluated: 2017-03-29. Review status: no assertion criteria provided. Collection method: clinical testing. Allele origin: unknown. Not counted in ClinVar's aggregate classification.

Literature cited by the submitters: PubMed 16450403 (cited by 4 submitters); PubMed 27362913 (cited by 3 submitters); PubMed 35616651 (cited by Natera, Inc.).

NM_000481.4(AMT):c.212A>C (p.His71Pro)

Gene: AMT (aminomethyltransferase; minus strand). Cytogenetic location: 3p21.31.
Variant type: single nucleotide variant.
Coding change: c.212A>C on transcript NM_000481.4 (MANE Select); coding-DNA position 212, A replaced by C.
Protein change: p.His71Pro; replaces histidine 71 with proline.
Molecular consequence: missense variant. On other transcripts: non-coding transcript variant (1), intron variant (1).
Genome position (GRCh38, 1-based): chr3:49,422,150, T>G on the plus strand (A>C on the coding strand, the complement: AMT is on the minus strand). VCF-style: chr3-49422150-T-G. GRCh37 (hg19) VCF-style: chr3-49459583-T-G.
Other names: c.212A>C, p.His71Pro (NM_001164710.2, NM_001164712.2); c.90+211A>C (NM_001164711.2); short protein forms H71P.
Identifiers: ClinVar variation 551285 (VCV000551285.15), dbSNP rs1053797603, ClinGen allele CA74516448.
Genomic context (GRCh38, chr3:49,422,150, plus strand): 5'-CTCCCCTGGCTCACCTGCAGCATATGAGACACGTCAAAGAGCGAGCAGTGCTGGCGTGTG[T>G]GCAGGTGCGAGTCAGTGTGACTGTCCCGGTACTGCACTGGCAGACTCCAACCCGCAAACG-3'
Protein context (NP_000472.2, residues 61-81): YRDSHTDSHL[His71Pro]TRQHCSLFDV